The following is an entry in ClinVar:

NM_002055.5(GFAP):c.32G>A (p.Arg11His)

Gene: GFAP (glial fibrillary acidic protein; minus strand). Cytogenetic location: 17q21.31.
Variant type: single nucleotide variant.
Coding change: c.32G>A on transcript NM_002055.5 (MANE Select); coding-DNA position 32, G replaced by A.
Protein change: p.Arg11His; replaces arginine 11 with histidine.
Molecular consequence: missense variant.
Genome position (GRCh38, 1-based): chr17:44,915,455, C>T on the plus strand (G>A on the coding strand, the complement: GFAP is on the minus strand). VCF-style: chr17-44915455-C-T. GRCh37 (hg19) VCF-style: chr17-42992823-C-T.
Other names: NM_002055.5(GFAP):c.32G>A; p.Arg11His; c.32G>A, p.Arg11His (NM_001131019.3, NM_001242376.3, NM_001363846.2); short protein forms R11H.
Identifiers: ClinVar variation 1416421 (VCV001416421.5), dbSNP rs780481913, ClinGen allele CA8609128.

ClinVar aggregate classification (germline): Likely benign. Review status: reviewed by expert panel (3 of 4 stars). 2 submissions from 2 submitters: Likely benign (1). 1 of the submissions does not count toward it. Last evaluated 2026-08-17.

Conditions:
Alexander disease (ALXDRD). Also called: Alexander's disease. Identifiers: Orphanet 58, MedGen C0270726, MONDO:0008752, OMIM 203450.

Allele frequency attached by ClinVar (database versions not stated): ExAC 0.00003; gnomAD 0.00003 and 0.00004; TOPMed 0.00003.
gnomAD v4.1: 31 of 1,602,436 alleles (0.0019%); highest among the groups gnomAD compares: Non-Finnish European, 0.0021%; no homozygotes.

Submissions (2):

ClinGen Leukodystrophy and Leukoencephalopathy Variant Curation Expert Panel, ClinGen
Classification: Likely benign for Alexander disease. Last evaluated: 2026-08-17. Review status: reviewed by expert panel. Criteria: ClinGen Leuko ACMG Specifications GFAP V1.0. Collection method: curation. Allele origin: germline. Inheritance: Autosomal dominant inheritance.
Comment: The c.32G>A variant in GFAP is a missense variant predicted to cause substitution of arginine by histidine at amino acid 11 (p.Arg11His). The Total GrpMax filtering allele frequency in gnomAD v4.1.1 is 0.0000146 from the European (non-Finnish) genetic ancestry group (the lower threshold of the 95% CI of 25/1175180 alleles), which is higher than the ClinGen Leukodystrophy and Leukoencephalopathy VCEP threshold (0.00001) for BS1, and therefore meets this criterion (BS1). In summary, this variant meets the criteria to be classified as a likely benign variant for Alexander disease based on the ACMG/AMP criteria applied, as specified by the ClinGen Leukodystrophy and Leukoencephalopathy Expert Panel: BS1 (ClinGen Leukodystrophy and Leukoencephalopathy VCEP Specifications Version 1.0.0).

Labcorp Genetics (formerly Invitae), Labcorp
Classification: Uncertain significance. Last evaluated: 2022-06-28. Review status: criteria provided, single submitter. Criteria: Invitae Variant Classification Sherloc (09022015). Collection method: clinical testing. Allele origin: germline. Not counted in ClinVar's aggregate classification.
Comment: In summary, the available evidence is currently insufficient to determine the role of this variant in disease. Therefore, it has been classified as a Variant of Uncertain Significance. Algorithms developed to predict the effect of missense changes on protein structure and function are either unavailable or do not agree on the potential impact of this missense change (SIFT: "Deleterious"; PolyPhen-2: "Benign"; Align-GVGD: "Class C0"). This variant has not been reported in the literature in individuals affected with GFAP-related conditions. This variant is present in population databases (rs780481913, gnomAD 0.006%). This sequence change replaces arginine, which is basic and polar, with histidine, which is basic and polar, at codon 11 of the GFAP protein (p.Arg11His).